The following is an entry in ClinVar:

NM_001375524.1(TRRAP):c.2657G>T (p.Ser886Ile)

Gene: TRRAP (transformation/transcription domain associated protein; plus strand). Cytogenetic location: 7q22.1.
Variant type: single nucleotide variant.
Coding change: c.2657G>T on transcript NM_001375524.1 (MANE Select); coding-DNA position 2657, G replaced by T.
Protein change: p.Ser886Ile; replaces serine 886 with isoleucine.
Molecular consequence: missense variant.
Genome position (GRCh38, 1-based): chr7:98,921,787, G>T. VCF-style: chr7-98921787-G-T. GRCh37 (hg19) VCF-style: chr7-98519410-G-T.
Other names: c.2657G>T, p.Ser886Ile (NM_001244580.2, NM_003496.4); short protein forms S886I.
Identifiers: ClinVar variation 1709147 (VCV001709147.2), dbSNP rs2484747958, ClinGen allele CA368293910.

ClinVar aggregate classification (germline): Uncertain significance (1 of 4 stars; one submission).

Conditions:
Developmental delay with or without dysmorphic facies and autism. Identifiers: MedGen C5193106, MONDO:0032760, OMIM 618454.

Submission:

MGZ Medical Genetics Center
Classification: Uncertain significance for Developmental delay with or without dysmorphic facies and autism. Last evaluated: 2022-03-14. Review status: criteria provided, single submitter. Criteria: ACMG Guidelines, 2015. Collection method: clinical testing. Allele origin: germline. Affected: yes. Observed: 1 variant allele.
Comment: ACMG criteria applied: PM2_SUP, PP2